The following is an entry in ClinVar:

ClinVar aggregate classification (germline): Uncertain significance (1 of 4 stars; one submission).

Allele frequency attached by ClinVar (database versions not stated): gnomAD 0.00001.
gnomAD v4.1: 22 of 1,549,762 alleles (0.0014%); highest among the groups gnomAD compares: Non-Finnish European, 0.0016%; no homozygotes.

Submission:

GeneDx
Classification: Uncertain significance. Last evaluated: 2022-07-05. Review status: criteria provided, single submitter. Criteria: GeneDx Variant Classification Process June 2021. Collection method: clinical testing. Allele origin: germline. Affected: yes.
Comment: In silico analysis supports that this missense variant has a deleterious effect on protein structure/function; Has not been previously published as pathogenic or benign to our knowledge

NM_001142864.4(PIEZO1):c.5162C>T (p.Ser1721Leu)

Gene: PIEZO1 (piezo type mechanosensitive ion channel component 1 (Er blood group); minus strand). Cytogenetic location: 16q24.3.
Variant type: single nucleotide variant.
Coding change: c.5162C>T on transcript NM_001142864.4 (MANE Select); coding-DNA position 5162, C replaced by T.
Protein change: p.Ser1721Leu; replaces serine 1721 with leucine.
Molecular consequence: missense variant.
Genome position (GRCh38, 1-based): chr16:88,721,860, G>A on the plus strand (C>T on the coding strand, the complement: PIEZO1 is on the minus strand). VCF-style: chr16-88721860-G-A. GRCh37 (hg19) VCF-style: chr16-88788268-G-A.
Other names: c.3704C>T, p.Ser1235Leu (NM_014745.1); short protein forms S1235L, S1721L.
Identifiers: ClinVar variation 1810452 (VCV001810452.1), dbSNP rs768320446, ClinGen allele CA286409652.